The following is an entry in ClinVar:

NM_014319.5(LEMD3):c.1060G>C (p.Val354Leu)

Gene: LEMD3 (LEM domain containing 3; plus strand). Cytogenetic location: 12q14.3.
Variant type: single nucleotide variant.
Coding change: c.1060G>C on transcript NM_014319.5 (MANE Select); coding-DNA position 1060, G replaced by C.
Protein change: p.Val354Leu; replaces valine 354 with leucine.
Molecular consequence: missense variant.
Genome position (GRCh38, 1-based): chr12:65,170,656, G>C. VCF-style: chr12-65170656-G-C. GRCh37 (hg19) VCF-style: chr12-65564436-G-C.
Other names: c.1060G>C, p.Val354Leu (NM_001167614.2); c.1060G>C (NM_014319.4); short protein forms V354L.
Identifiers: ClinVar variation 3619537 (VCV003619537.3).

ClinVar aggregate classification (germline): Uncertain significance. Review status: criteria provided, multiple submitters, no conflicts (2 of 4 stars). 2 submissions from 2 submitters: Uncertain significance (2). Last evaluated 2025-08-27.

Conditions:
Inborn genetic diseases. Identifiers: MedGen C0950123, MeSH D030342.

gnomAD v4.1: 7 of 1,614,136 alleles (0.00043%); highest among the groups gnomAD compares: Non-Finnish European, 0.00059%; no homozygotes.

Submissions (2):

Ambry Genetics
Classification: Uncertain significance for Inborn genetic diseases. Last evaluated: 2025-08-27. Review status: criteria provided, single submitter. Criteria: Ambry Variant Classification Scheme 2023. Collection method: clinical testing. Allele origin: germline.

Labcorp Genetics (formerly Invitae), Labcorp
Classification: Uncertain significance. Last evaluated: 2024-08-12. Review status: criteria provided, single submitter. Criteria: Invitae Variant Classification Sherloc (09022015). Collection method: clinical testing. Allele origin: germline.
Comment: This sequence change replaces valine, which is neutral and non-polar, with leucine, which is neutral and non-polar, at codon 354 of the LEMD3 protein (p.Val354Leu). This variant is not present in population databases (gnomAD no frequency). This variant has not been reported in the literature in individuals affected with LEMD3-related conditions. Advanced modeling of protein sequence and biophysical properties (such as structural, functional, and spatial information, amino acid conservation, physicochemical variation, residue mobility, and thermodynamic stability) performed at Invitae indicates that this missense variant is not expected to disrupt LEMD3 protein function with a negative predictive value of 80%. In summary, the available evidence is currently insufficient to determine the role of this variant in disease. Therefore, it has been classified as a Variant of Uncertain Significance.